The following is an entry in ClinVar:

ClinVar aggregate classification (germline): Uncertain significance (1 of 4 stars; one submission).

Conditions:
Inborn genetic diseases. Identifiers: MedGen C0950123, MeSH D030342.

gnomAD v4.1: 6 of 1,612,548 alleles (0.00037%); highest among the groups gnomAD compares: Non-Finnish European, 0.00051%; no homozygotes.

Submission:

Ambry Genetics
Classification: Uncertain significance for Inborn genetic diseases. Last evaluated: 2026-06-28. Review status: criteria provided, single submitter. Criteria: Ambry Variant Classification Scheme 2023. Collection method: clinical testing. Allele origin: germline.
Comment: The p.A1067D variant (also known as c.3200C>A), located in coding exon 31 of the RTEL1 gene, results from a C to A substitution at nucleotide position 3200. The alanine at codon 1067 is replaced by aspartic acid, an amino acid with dissimilar properties. This amino acid position is conserved. In addition, this alteration is predicted to be tolerated by in silico analysis. Based on the available evidence, the clinical significance of this variant remains unclear.

NM_001283009.2(RTEL1):c.3200C>A (p.Ala1067Asp)

Genes: RTEL1 (regulator of telomere elongation helicase 1; plus strand), RTEL1-TNFRSF6B (RTEL1-TNFRSF6B readthrough (NMD candidate); plus strand). Cytogenetic location: 20q13.33.
Variant type: single nucleotide variant.
Coding change: c.3200C>A on transcript NM_001283009.2 (MANE Select); coding-DNA position 3200, C replaced by A.
Protein change: p.Ala1067Asp; replaces alanine 1067 with aspartic acid.
Molecular consequence: missense variant. On other transcripts: non-coding transcript variant (1).
Genome position (GRCh38, 1-based): chr20:63,694,831, C>A. VCF-style: chr20-63694831-C-A. GRCh37 (hg19) VCF-style: chr20-62326184-C-A.
Other names: c.2531C>A, p.Ala844Asp (NM_001283010.1); c.3200C>A, p.Ala1067Asp (NM_016434.4); c.3272C>A, p.Ala1091Asp (NM_032957.5); short protein forms A1067D, A1091D, A844D.
Identifiers: ClinVar variation 5028469 (VCV005028469.1).